The following is an entry in ClinVar:

NM_015909.4(NBAS):c.3010C>T (p.Arg1004Ter)

Gene: NBAS (NBAS subunit of NRZ tethering complex; minus strand). Cytogenetic location: 2p24.3.
Variant type: single nucleotide variant.
Coding change: c.3010C>T on transcript NM_015909.4 (MANE Select); coding-DNA position 3010, C replaced by T.
Protein change: p.Arg1004Ter; replaces arginine 1004 with a stop codon.
Molecular consequence: nonsense. On other transcripts: non-coding transcript variant (1).
Genome position (GRCh38, 1-based): chr2:15,402,229, G>A on the plus strand (C>T on the coding strand, the complement: NBAS is on the minus strand). VCF-style: chr2-15402229-G-A. GRCh37 (hg19) VCF-style: chr2-15542353-G-A.
Other names: short protein forms R1004*.
Identifiers: ClinVar variation 1693290 (VCV001693290.8), dbSNP rs780108348, ClinGen allele CA1536194.

ClinVar aggregate classification (germline): Pathogenic. Review status: criteria provided, multiple submitters, no conflicts (2 of 4 stars). 5 submissions from 4 submitters: Pathogenic (3). 2 of the submissions do not count toward it. Last evaluated 2025-11-16.

Conditions:
Infantile liver failure syndrome 2 (ILFS2). Identifiers: MedGen C3809651, MONDO:0014659, OMIM 616483.
Short stature-optic atrophy-Pelger-Huët anomaly syndrome. Also called: Short stature, optic nerve atrophy, and Pelger-Huet anomaly; Short stature-optic atrophy-Pelger-HuC+t anomaly syndrome. Identifiers: Orphanet 391677, MedGen C3541319, MONDO:0013889, OMIM 614800.

Allele frequency attached by ClinVar (database versions not stated): gnomAD exomes 0.00001; ExAC 0.00001; TOPMed 0.00002; gnomAD 0.00004.
gnomAD v4.1: 46 of 1,613,388 alleles (0.0029%); highest among the groups gnomAD compares: African/African-American, 0.004%; no homozygotes.

Submissions (5):

Labcorp Genetics (formerly Invitae), Labcorp
Classification: Pathogenic. Last evaluated: 2025-11-16. Review status: criteria provided, single submitter. Criteria: Invitae Variant Classification Sherloc (09022015). Collection method: clinical testing. Allele origin: germline.
Comment: This sequence change creates a premature translational stop signal (p.Arg1004*) in the NBAS gene. It is expected to result in an absent or disrupted protein product. Loss-of-function variants in NBAS are known to be pathogenic (PMID: 26073778, 26541327, 27789416, 28031453). This variant is present in population databases (rs780108348, gnomAD 0.004%). This premature translational stop signal has been observed in individual(s) with NBAS-related conditions (PMID: 26073778, 27789416). ClinVar contains an entry for this variant (Variation ID: 1693290). For these reasons, this variant has been classified as Pathogenic.

Fulgent Genetics
Classification: Pathogenic for Short stature-optic atrophy-Pelger-Huët anomaly syndrome; Infantile liver failure syndrome 2. Last evaluated: 2024-02-26. Review status: criteria provided, single submitter. Criteria: ACMG Guidelines, 2015. Collection method: clinical testing. Allele origin: germline.

Illumina Laboratory Services, Illumina
Classification: Pathogenic for Short stature-optic atrophy-Pelger-Huët anomaly syndrome. Last evaluated: 2021-12-03. Review status: criteria provided, single submitter. Criteria: ICSLVariantClassificationCriteria RUGD 01 April 2020. Collection method: clinical testing. Allele origin: unknown.
Comment: The NBAS c.3010C>T (p.Arg1004Ter) nonsense variant results in the substitution of arginine at amino acid position 1004 with a stop codon. Loss of normal protein function through either protein truncation or nonsense-mediated mRNA decay is expected. This variant has been reported in a compound heterozygous state in a total of two individuals with short stature, optic nerve atrophy and Pelger-Huet anomaly, also known as SOPH syndrome (Haack et al. 2015; Balasubramanian et al. 2018). The c.3010C>T variant is reported in the Genome Aggregation Database in four alleles at a frequency of 0.000058 in the European (non-Finnish) population (version 3.1.2). Based on the available evidence, the c.3010C>T (p.Arg1004Ter) variant is classified as pathogenic for short stature, optic nerve atrophy, and Pelger-Huet anomaly.

OMIM
Classification: Pathogenic for INFANTILE LIVER FAILURE SYNDROME 2. Last evaluated: 2015-07-02. Review status: no assertion criteria provided. Collection method: literature only. Allele origin: germline. Not counted in ClinVar's aggregate classification.

OMIM
Classification: Pathogenic for SHORT STATURE, OPTIC NERVE ATROPHY, AND PELGER-HUET ANOMALY. Last evaluated: 2015-07-02. Review status: no assertion criteria provided. Collection method: literature only. Allele origin: germline. Not counted in ClinVar's aggregate classification.

Literature cited by the submitters: PubMed 26073778 (cited by 3 submitters); PubMed 26541327 (cited by Labcorp Genetics (formerly Invitae), Labcorp); PubMed 27789416 (cited by 3 submitters); PubMed 28031453 (cited by Labcorp Genetics (formerly Invitae), Labcorp).